The following is an entry in ClinVar:

NM_001080414.4(CCDC88C):c.1527+8G>A

Gene: CCDC88C (coiled-coil and HOOK domain protein 88C; minus strand). Cytogenetic location: 14q32.11.
Variant type: single nucleotide variant.
Coding change: c.1527+8G>A on transcript NM_001080414.4 (MANE Select); 8 bases into the intron after coding-DNA position 1527, G replaced by A.
Molecular consequence: intron variant.
Genome position (GRCh38, 1-based): chr14:91,321,112, C>T on the plus strand (G>A on the coding strand, the complement: CCDC88C is on the minus strand). VCF-style: chr14-91321112-C-T. GRCh37 (hg19) VCF-style: chr14-91787456-C-T.
Identifiers: ClinVar variation 783048 (VCV000783048.51), dbSNP rs151228192, ClinGen allele CA7309888.

ClinVar aggregate classification (germline): Conflicting classifications of pathogenicity. Review status: criteria provided, conflicting classifications (1 of 4 stars). 4 submissions from 4 submitters: Uncertain significance (1); Likely benign (2). 1 of the submissions does not count toward it. Last evaluated 2026-01-19.

Conditions:
CCDC88C-related disorder. Also called: CCDC88C-related condition; CCDC88C-Related Disorders.

Allele frequency attached by ClinVar (database versions not stated): ExAC 0.00065; TOPMed 0.00078; ESP Exome Variant Server 0.00080; gnomAD 0.00083 and 0.00084; 1000 Genomes Project 0.00100; 1000 Genomes Project 30x 0.00109.

Submissions (4):

Labcorp Genetics (formerly Invitae), Labcorp
Classification: Likely benign. Last evaluated: 2026-01-19. Review status: criteria provided, single submitter. Criteria: Invitae Variant Classification Sherloc (09022015). Collection method: clinical testing. Allele origin: germline.

Blueprint Genetics
Classification: Likely benign. Last evaluated: 2024-11-08. Review status: criteria provided, single submitter. Criteria: ACMG Guidelines, 2015. Collection method: clinical testing. Allele origin: germline.

CeGaT Center for Human Genetics Tuebingen
Classification: Uncertain significance. Last evaluated: 2017-08-01. Review status: criteria provided, single submitter. Criteria: CeGaT Center For Human Genetics Tuebingen Variant Classification Criteria Version 2. Collection method: clinical testing. Allele origin: germline. Affected: yes. Observed: 1 variant allele.

PreventionGenetics, part of Exact Sciences
Classification: Likely benign for CCDC88C-related condition. Last evaluated: 2019-10-23. Review status: no assertion criteria provided. Collection method: clinical testing. Allele origin: germline. Not counted in ClinVar's aggregate classification.
Comment: This variant is classified as likely benign based on ACMG/AMP sequence variant interpretation guidelines (Richards et al. 2015 PMID: 25741868, with internal and published modifications).